The following is an entry in ClinVar:

ClinVar aggregate classification (germline): Conflicting classifications of pathogenicity. Review status: criteria provided, conflicting classifications (1 of 4 stars). 4 submissions from 4 submitters: Uncertain significance (3); Likely benign (1). Last evaluated 2025-10-03.

Conditions:
Hereditary cancer-predisposing syndrome. Also called: Neoplastic Syndromes, Hereditary; Hereditary neoplastic syndrome; Hereditary Cancer Syndrome; Tumor predisposition. Identifiers: Orphanet 140162, MedGen C0027672, MeSH D009386, MONDO:0015356.
FLCN-related disorder. Also called: FLCN-related condition.
Birt-Hogg-Dube syndrome. Also called: Birt Hogg Dubé syndrome. Identifiers: Orphanet 122, MedGen C0346010, MONDO:0800444.

Allele frequency attached by ClinVar (database versions not stated): gnomAD exomes 0.00001 and 0.00002; ExAC 0.00002; TOPMed 0.00002; gnomAD 0.00003 and 0.00004.
gnomAD v4.1: 32 of 1,613,606 alleles (0.002%); highest among the groups gnomAD compares: Non-Finnish European, 0.0026%; no homozygotes.

Submissions (4):

Labcorp Genetics (formerly Invitae), Labcorp
Classification: Uncertain significance for Birt-Hogg-Dube syndrome. Last evaluated: 2025-10-03. Review status: criteria provided, single submitter. Criteria: Invitae Variant Classification Sherloc (09022015). Collection method: clinical testing. Allele origin: germline.
Comment: This sequence change replaces valine, which is neutral and non-polar, with alanine, which is neutral and non-polar, at codon 424 of the FLCN protein (p.Val424Ala). This variant is present in population databases (rs752170592, gnomAD 0.003%). This variant has not been reported in the literature in individuals affected with FLCN-related conditions. ClinVar contains an entry for this variant (Variation ID: 944564). Invitae Evidence Modeling of protein sequence and biophysical properties (such as structural, functional, and spatial information, amino acid conservation, physicochemical variation, residue mobility, and thermodynamic stability) indicates that this missense variant is not expected to disrupt FLCN protein function with a negative predictive value of 80%. In summary, the available evidence is currently insufficient to determine the role of this variant in disease. Therefore, it has been classified as a Variant of Uncertain Significance.

PreventionGenetics, part of Exact Sciences
Classification: Uncertain significance for FLCN-related condition. Last evaluated: 2023-03-03. Review status: criteria provided, single submitter. Criteria: ACMG Guidelines, 2015. Collection method: clinical testing. Allele origin: germline.
Comment: The FLCN c.1271T>C variant is predicted to result in the amino acid substitution p.Val424Ala. To our knowledge, this variant has not been reported in the literature. This variant is reported in 0.0031% of alleles in individuals of European (Non-Finnish) descent in gnomAD. At this time, the clinical significance of this variant is uncertain due to the absence of conclusive functional and genetic evidence.

GeneDx
Classification: Uncertain significance. Last evaluated: 2022-11-15. Review status: criteria provided, single submitter. Criteria: GeneDx Variant Classification Process June 2021. Collection method: clinical testing. Allele origin: germline. Affected: yes.
Comment: Not observed at significant frequency in large population cohorts (gnomAD); In silico analysis supports that this missense variant does not alter protein structure/function; Has not been previously published as pathogenic or benign to our knowledge; This variant is associated with the following publications: (PMID: 17028174)

Ambry Genetics
Classification: Likely benign for Hereditary cancer-predisposing syndrome. Last evaluated: 2022-04-26. Review status: criteria provided, single submitter. Criteria: Ambry Variant Classification Scheme 2023. Collection method: clinical testing. Allele origin: germline.

NM_144997.7(FLCN):c.1271T>C (p.Val424Ala)

Gene: FLCN (folliculin; minus strand). Cytogenetic location: 17p11.2.
Variant type: single nucleotide variant.
Coding change: c.1271T>C on transcript NM_144997.7 (MANE Select); coding-DNA position 1271, T replaced by C.
Protein change: p.Val424Ala; replaces valine 424 with alanine.
Molecular consequence: missense variant.
Genome position (GRCh38, 1-based): chr17:17,216,409, A>G on the plus strand (T>C on the coding strand, the complement: FLCN is on the minus strand). VCF-style: chr17-17216409-A-G. GRCh37 (hg19) VCF-style: chr17-17119723-A-G.
Other names: c.1325T>C, p.Val442Ala (NM_001353229.2); c.1271T>C, p.Val424Ala (NM_001353230.2, NM_001353231.2); short protein forms V424A, V442A.
Identifiers: ClinVar variation 944564 (VCV000944564.11), dbSNP rs752170592, ClinGen allele CA8416081.
Genomic context (GRCh38, chr17:17,216,409, plus strand): 5'-GCATGGCCCCACAGCCCGCGGGGGCACGCACCTGAGGAGAGCACGTGGGGGGGGATCTGC[A>G]CGTGCGGGCTGAGCCCCAGGAAGTTGCACCGATAGGCCTCCTCGTACTGGCTGCTGTATG-3'
Protein context (NP_659434.2, residues 414-434): RCNFLGLSPH[Val424Ala]QIPPHVLSSE